The following is an entry in ClinVar:

NM_022047.4(DEF6):c.506_514del (p.Glu169_Gln171del)

Gene: DEF6 (DEF6 guanine nucleotide exchange factor; plus strand). Cytogenetic location: 6p21.31.
Variant type: Deletion.
Coding change: c.506_514del on transcript NM_022047.4 (MANE Select); coding-DNA positions 506 to 514, 9 bases deleted (AGGCCCAGG; older notation c.506_514delAGGCCCAGG).
Protein change: p.Glu169_Gln171del.
Molecular consequence: inframe deletion.
Genome position (GRCh38, 1-based): chr6:35,312,384-35,312,392, AGGCCCAGG deleted; deleting any 9 consecutive bases within chr6:35,312,376-35,312,392 gives the same sequence; the c. name uses the placement nearest the transcript's 3' end. VCF-style (leftmost placement, unchanged base first): chr6-35312375-TGGCCCAGGA-T. GRCh37 (hg19) VCF-style: chr6-35280152-TGGCCCAGGA-T.
Identifiers: ClinVar variation 1496802 (VCV001496802.5), dbSNP rs761086759, ClinGen allele CA3770734.

ClinVar aggregate classification (germline): Uncertain significance (1 of 4 stars; one submission).

Submission:

Labcorp Genetics (formerly Invitae), Labcorp
Classification: Uncertain significance. Last evaluated: 2024-10-22. Review status: criteria provided, single submitter. Criteria: Invitae Variant Classification Sherloc (09022015). Collection method: clinical testing. Allele origin: germline.
Comment: This variant, c.506_514del, results in the deletion of 3 amino acid(s) of the DEF6 protein (p.Glu169_Gln171del), but otherwise preserves the integrity of the reading frame. This variant is present in population databases (rs761086759, gnomAD 0.003%). This variant has not been reported in the literature in individuals affected with DEF6-related conditions. ClinVar contains an entry for this variant (Variation ID: 1496802). Experimental studies and prediction algorithms are not available or were not evaluated, and the functional significance of this variant is currently unknown. In summary, the available evidence is currently insufficient to determine the role of this variant in disease. Therefore, it has been classified as a Variant of Uncertain Significance.